The following is an entry in ClinVar:

ClinVar aggregate classification (germline): Uncertain significance (1 of 4 stars; one submission).

Conditions:
Bardet-Biedl syndrome (BBS). Identifiers: Orphanet 110, MedGen C0752166, MONDO:0015229.
McKusick-Kaufman syndrome (MKKS). Also called: HYDROMETROCOLPOS SYNDROME; HYDROMETROCOLPOS, POSTAXIAL POLYDACTYLY, AND CONGENITAL HEART MALFORMATION. Identifiers: Orphanet 2473, MedGen C0948368, MONDO:0009367, OMIM 236700.

Allele frequency attached by ClinVar (database versions not stated): gnomAD exomes below 0.00001; ExAC 0.00001.
gnomAD v4.1: 1 of 1,614,170 alleles (0.000062%); highest among the groups gnomAD compares: Non-Finnish European, 0.000085%; no homozygotes.

Submission:

Labcorp Genetics (formerly Invitae), Labcorp
Classification: Uncertain significance for McKusick-Kaufman syndrome; Bardet-Biedl syndrome. Last evaluated: 2024-02-24. Review status: criteria provided, single submitter. Criteria: Invitae Variant Classification Sherloc (09022015). Collection method: clinical testing. Allele origin: germline.
Comment: This sequence change replaces leucine, which is neutral and non-polar, with isoleucine, which is neutral and non-polar, at codon 445 of the MKKS protein (p.Leu445Ile). This variant is present in population databases (rs754132134, gnomAD 0.0009%). This variant has not been reported in the literature in individuals affected with MKKS-related conditions. ClinVar contains an entry for this variant (Variation ID: 1502656). Advanced modeling of protein sequence and biophysical properties (such as structural, functional, and spatial information, amino acid conservation, physicochemical variation, residue mobility, and thermodynamic stability) performed at Invitae indicates that this missense variant is not expected to disrupt MKKS protein function with a negative predictive value of 80%. In summary, the available evidence is currently insufficient to determine the role of this variant in disease. Therefore, it has been classified as a Variant of Uncertain Significance.

NM_170784.3(MKKS):c.1333T>A (p.Leu445Ile)

Gene: MKKS (MKKS centrosomal shuttling protein; minus strand). Cytogenetic location: 20p12.2.
Variant type: single nucleotide variant.
Coding change: c.1333T>A on transcript NM_170784.3 (MANE Select); coding-DNA position 1333, T replaced by A.
Protein change: p.Leu445Ile; replaces leucine 445 with isoleucine.
Molecular consequence: missense variant. On other transcripts: non-coding transcript variant (1).
Genome position (GRCh38, 1-based): chr20:10,405,627, A>T on the plus strand (T>A on the coding strand, the complement: MKKS is on the minus strand). VCF-style: chr20-10405627-A-T. GRCh37 (hg19) VCF-style: chr20-10386275-A-T.
Other names: c.1333T>A, p.Leu445Ile (NM_018848.3); short protein forms L445I.
Identifiers: ClinVar variation 1502656 (VCV001502656.6), dbSNP rs754132134, ClinGen allele CA9763490.